The following is an entry in ClinVar:

ClinVar aggregate classification (germline): Conflicting classifications of pathogenicity. Review status: criteria provided, conflicting classifications (1 of 4 stars). 5 submissions from 5 submitters: Pathogenic (3); Likely pathogenic (1); Uncertain significance (1). Last evaluated 2023-10-31.

Conditions:
Fanconi anemia (FA). Also called: Fanconi's anemia. Identifiers: Orphanet 84, MedGen C0015625, MeSH D005199, MONDO:0019391.
Fanconi anemia complementation group D2. Also called: FANCONI PANCYTOPENIA, TYPE 4; FANCONI ANEMIA, COMPLEMENTATION GROUP D; FANCD2-Related Fanconi Anemia. Identifiers: Orphanet 84, MedGen C3160738, MONDO:0009214, OMIM 227646.

Allele frequency attached by ClinVar (database versions not stated): gnomAD exomes 0.00001 and 0.00002; gnomAD 0.00002; ExAC 0.00003.
gnomAD v4.1: 16 of 1,614,124 alleles (0.00099%); highest among the groups gnomAD compares: African/African-American, 0.004%; no homozygotes.

Submissions (5):

Baylor Genetics
Classification: Pathogenic for Fanconi anemia complementation group D2. Last evaluated: 2023-10-31. Review status: criteria provided, single submitter. Criteria: ACMG Guidelines, 2015. Collection method: clinical testing. Allele origin: unknown.

Revvity Omics, Revvity
Classification: Likely pathogenic for Fanconi anemia complementation group D2. Last evaluated: 2021-12-08. Review status: criteria provided, single submitter. Criteria: ACMG Guidelines, 2015. Collection method: clinical testing. Allele origin: germline.

Labcorp Genetics (formerly Invitae), Labcorp
Classification: Pathogenic for Fanconi anemia. Last evaluated: 2020-11-05. Review status: criteria provided, single submitter. Criteria: Invitae Variant Classification Sherloc (09022015). Collection method: clinical testing. Allele origin: germline.
Comment: This variant has not been reported in the literature in individuals with FANCD2-related conditions. For these reasons, this variant has been classified as Pathogenic. This sequence change creates a premature translational stop signal (p.Arg408*) in the FANCD2 gene. It is expected to result in an absent or disrupted protein product. Loss-of-function variants in FANCD2 are known to be pathogenic (PMID: 17436244). This variant is present in population databases (rs771869385, ExAC 0.01%).

Dept. of Cytogenetics, ICMR- National Institute of Immunohaematology
Classification: Uncertain significance for Fanconi anemia. Review status: criteria provided, single submitter. Criteria: ACMG Guidelines, 2015. Collection method: clinical testing. Allele origin: germline. Affected: yes. Observed: 1 variant allele.

Juno Genomics, Hangzhou Juno Genomics, Inc
Classification: Pathogenic for Fanconi anemia complementation group D2. Review status: criteria provided, single submitter. Criteria: ACMG Guidelines, 2015. Collection method: clinical testing. Allele origin: germline.
Comment: Null variant in a gene where loss of function (LOF) is a known mechanism of disease.;Absent from controls (or at extremely low frequency if recessive) in Genome Aggregation Database.;Patient's phenotype or family history is highly specific for a disease with a single genetic etiology.

Literature cited by the submitters: PubMed 17436244 (cited by Labcorp Genetics (formerly Invitae), Labcorp).

NM_001018115.3(FANCD2):c.1222C>T (p.Arg408Ter)

Genes: FANCD2 (FA complementation group D2; plus strand), LOC107303338 (3p25 FANCD2 Alu-mediated recombination region; plus strand). Cytogenetic location: 3p25.3.
Variant type: single nucleotide variant.
Coding change: c.1222C>T on transcript NM_001018115.3 (MANE Select); coding-DNA position 1222, C replaced by T.
Protein change: p.Arg408Ter; replaces arginine 408 with a stop codon.
Molecular consequence: nonsense.
Genome position (GRCh38, 1-based): chr3:10,046,667, C>T. VCF-style: chr3-10046667-C-T. GRCh37 (hg19) VCF-style: chr3-10088351-C-T.
Other names: c.1222C>T, p.Arg408Ter (NM_001319984.2, NM_001374253.1, NM_001374254.1 and 1 more transcripts); c.1222C>T (NM_033084.5); short protein forms R408*.
Identifiers: ClinVar variation 1224543 (VCV001224543.15), dbSNP rs771869385, ClinGen allele CA2249552.